The following is an entry in ClinVar:

ClinVar aggregate classification (germline): Conflicting classifications of pathogenicity. Review status: criteria provided, conflicting classifications (1 of 4 stars). 2 submissions from 2 submitters: Uncertain significance (1); Likely benign (1). Last evaluated 2025-08-08.

Conditions:
Bethlem myopathy 1A. Also called: MYOPATHY, BENIGN CONGENITAL, WITH CONTRACTURES; Bethlem myopathy 1; Bethlem Muscular Dystrophy. Identifiers: Orphanet 610, MedGen CN029274, MONDO:0024530, OMIM 158810.

Allele frequency attached by ClinVar (database versions not stated): gnomAD exomes below 0.00001; TOPMed below 0.00001; gnomAD 0.00001.
gnomAD v4.1: 2 of 1,612,922 alleles (0.00012%); highest among the groups gnomAD compares: Non-Finnish European, 0.00017%; no homozygotes.

Submissions (2):

Labcorp Genetics (formerly Invitae), Labcorp
Classification: Likely benign for Bethlem myopathy 1A. Last evaluated: 2025-08-08. Review status: criteria provided, single submitter. Criteria: Invitae Variant Classification Sherloc (09022015). Collection method: clinical testing. Allele origin: germline.

GeneDx
Classification: Uncertain significance. Last evaluated: 2017-08-23. Review status: criteria provided, single submitter. Criteria: GeneDx Variant Classification (06012015). Collection method: clinical testing. Allele origin: germline. Affected: yes.
Comment: A variant of uncertain significance has been identified in the COL6A1 gene. The A930V variant has not been published as a pathogenic variant, nor has it been reported as a benign variant to our knowledge. The A930V variant is not observed in large population cohorts (Lek et al., 2016; 1000 Genomes Consortium et al., 2015; Exome Variant Server). The A930V variant is a conservative amino acid substitution, which is not likely to impact secondary protein structure as these residues share similar properties. This substitution occurs at a position that is not conserved. However, in silico analysis is inconsistent in its predictions as to whether or not the variant is damaging to the protein structure/function. Therefore, based on the currently available information, it is unclear whether this variant is a pathogenic variant or a rare benign variant.

NM_001848.3(COL6A1):c.2789C>T (p.Ala930Val)

Gene: COL6A1 (collagen type VI alpha 1 chain; plus strand). Cytogenetic location: 21q22.3.
Variant type: single nucleotide variant.
Coding change: c.2789C>T on transcript NM_001848.3 (MANE Select); coding-DNA position 2789, C replaced by T.
Protein change: p.Ala930Val; replaces alanine 930 with valine.
Molecular consequence: missense variant.
Genome position (GRCh38, 1-based): chr21:46,003,715, C>T. VCF-style: chr21-46003715-C-T. GRCh37 (hg19) VCF-style: chr21-47423629-C-T.
Other names: short protein forms A930V.
Identifiers: ClinVar variation 451567 (VCV000451567.3), dbSNP rs1226087945, ClinGen allele CA410541112.